The following is an entry in ClinVar:

NM_012309.5(SHANK2):c.2488G>A (p.Gly830Arg)

Gene: SHANK2 (SH3 and multiple ankyrin repeat domains 2; minus strand). Cytogenetic location: 11q13.3.
Variant type: single nucleotide variant.
Coding change: c.2488G>A on transcript NM_012309.5 (MANE Select); coding-DNA position 2488, G replaced by A.
Protein change: p.Gly830Arg; replaces glycine 830 with arginine.
Molecular consequence: missense variant. On other transcripts: non-coding transcript variant (1).
Genome position (GRCh38, 1-based): chr11:70,490,339, C>T on the plus strand (G>A on the coding strand, the complement: SHANK2 is on the minus strand). VCF-style: chr11-70490339-C-T. GRCh37 (hg19) VCF-style: chr11-70336444-C-T.
Other names: c.1351G>A, p.Gly451Arg (NM_001379226.1); c.724G>A, p.Gly242Arg (NM_133266.5); short protein forms G451R, G830R, G242R.
Identifiers: ClinVar variation 3393758 (VCV003393758.1).
Genomic context (GRCh38, chr11:70,490,339, plus strand): 5'-TTGATTTCTGCCTTCGCATCGTACCTCGAGGGATGCCCAGAAACGGGGCTTTTGGGCTCC[C>T]AGGAACAGTGGGCGTCATCACGGCGATTCCTTGGCGTTCGTACACAGACTGCAAACCAGA-3'
Protein context (NP_036441.2, residues 820-840): GIAVMTPTVP[Gly830Arg]SPKAPFLGIP

ClinVar aggregate classification (germline): Uncertain significance (1 of 4 stars; one submission).

Submission:

GeneDx
Classification: Uncertain significance. Last evaluated: 2024-06-30. Review status: criteria provided, single submitter. Criteria: GeneDx Variant Classification Process June 2021. Collection method: clinical testing. Allele origin: germline. Affected: yes.
Comment: Not observed at significant frequency in large population cohorts (gnomAD); In silico analysis supports that this missense variant has a deleterious effect on protein structure/function; Has not been previously published as pathogenic or benign to our knowledge